The following is an entry in ClinVar:

ClinVar aggregate classification (germline): Uncertain significance. Review status: criteria provided, multiple submitters, no conflicts (2 of 4 stars). 3 submissions from 3 submitters: Uncertain significance (3). Last evaluated 2026-04-13.

Conditions:
Osteoporosis with pseudoglioma (OPPG). Also called: osteoporosis-pseudoglioma syndrome. Identifiers: Orphanet 2788, MedGen C0432252, MONDO:0009820, OMIM 259770.
Polycystic liver disease 4 with or without kidney cysts. Identifiers: MedGen C4693479, MONDO:0044327, OMIM 617875.
Autosomal dominant osteopetrosis 1 (OPTA1). Also called: OSTEOPETROSIS, AUTOSOMAL DOMINANT, TYPE I. Identifiers: Orphanet 2783, MedGen C1843330, MONDO:0011877, OMIM 607634.
Exudative vitreoretinopathy 4 (EVR4). Identifiers: Orphanet 891, MedGen C1866176, MONDO:0011151, OMIM 601813.
Worth disease. Also called: Autosomal dominant osteosclerosis, Worth type; ENDOSTEAL HYPEROSTOSIS, AUTOSOMAL DOMINANT; OSTEOSCLEROSIS, AUTOSOMAL DOMINANT. Identifiers: Orphanet 2790, MedGen C0432273, MONDO:0007764, OMIM 144750.
Bone mineral density quantitative trait locus 1 (BMND1). Identifiers: MedGen C1866079, OMIM 601884.
LRP5-related disorder. Also called: LRP5-related condition.
Polycystic liver disease 1 (PCLD1). Also called: Polycystic liver disease 1 with or without kidney cysts. Identifiers: Orphanet 2924, MedGen C0887850, MONDO:0008265, OMIM 174050.

Allele frequency attached by ClinVar (database versions not stated): gnomAD exomes below 0.00001; gnomAD 0.00001; TOPMed 0.00001.
gnomAD v4.1: 5 of 1,612,894 alleles (0.00031%); highest among the groups gnomAD compares: African/African-American, 0.0013%; no homozygotes.

Submissions (3):

PreventionGenetics, part of Exact Sciences
Classification: Uncertain significance for LRP5-related condition. Last evaluated: 2026-04-13. Review status: criteria provided, single submitter. Criteria: ACMG Guidelines, 2015. Collection method: clinical testing. Allele origin: germline.
Comment: The LRP5 c.4583A>C variant is predicted to result in the amino acid substitution p.Tyr1528Ser. To our knowledge, this variant has not been reported in the literature. This variant is reported in 0.0040% of alleles in individuals of African descent in gnomAD. At this time, the clinical significance of this variant is uncertain due to the absence of conclusive functional and genetic evidence.

Fulgent Genetics
Classification: Uncertain significance for Worth disease; Osteoporosis with pseudoglioma; Exudative vitreoretinopathy 4; Bone mineral density quantitative trait locus 1; Autosomal dominant osteopetrosis 1; Polycystic liver disease 4 with or without kidney cysts. Last evaluated: 2024-06-21. Review status: criteria provided, single submitter. Criteria: ACMG Guidelines, 2015. Collection method: clinical testing. Allele origin: germline.

Labcorp Genetics (formerly Invitae), Labcorp
Classification: Uncertain significance. Last evaluated: 2020-05-20. Review status: criteria provided, single submitter. Criteria: Invitae Variant Classification Sherloc (09022015). Collection method: clinical testing. Allele origin: germline.
Comment: In summary, the available evidence is currently insufficient to determine the role of this variant in disease. Therefore, it has been classified as a Variant of Uncertain Significance. Algorithms developed to predict the effect of missense changes on protein structure and function are either unavailable or do not agree on the potential impact of this missense change (SIFT: "Deleterious"; PolyPhen-2: "Possibly Damaging"; Align-GVGD: "Class C0"). This variant has not been reported in the literature in individuals with LRP5-related conditions. This variant is not present in population databases (ExAC no frequency). This sequence change replaces tyrosine with serine at codon 1528 of the LRP5 protein (p.Tyr1528Ser). The tyrosine residue is highly conserved and there is a large physicochemical difference between tyrosine and serine.

NM_002335.4(LRP5):c.4583A>C (p.Tyr1528Ser)

Gene: LRP5 (LDL receptor related protein 5; plus strand). Cytogenetic location: 11q13.2.
Variant type: single nucleotide variant.
Coding change: c.4583A>C on transcript NM_002335.4 (MANE Select); coding-DNA position 4583, A replaced by C.
Protein change: p.Tyr1528Ser; replaces tyrosine 1528 with serine.
Molecular consequence: missense variant.
Genome position (GRCh38, 1-based): chr11:68,446,530, A>C. VCF-style: chr11-68446530-A-C. GRCh37 (hg19) VCF-style: chr11-68213998-A-C.
Other names: c.2840A>C, p.Tyr947Ser (NM_001291902.2); short protein forms Y1528S, Y947S.
Identifiers: ClinVar variation 1019709 (VCV001019709.14), dbSNP rs1182722973, ClinGen allele CA381617174.